The following is an entry in ClinVar:

NM_144991.3(TSPEAR):c.1469T>A (p.Leu490Gln)

Gene: TSPEAR (thrombospondin type laminin G domain and EAR repeats; minus strand). Cytogenetic location: 21q22.3.
Variant type: single nucleotide variant.
Coding change: c.1469T>A on transcript NM_144991.3 (MANE Select); coding-DNA position 1469, T replaced by A.
Protein change: p.Leu490Gln; replaces leucine 490 with glutamine.
Molecular consequence: missense variant.
Genome position (GRCh38, 1-based): chr21:44,521,980, A>T on the plus strand (T>A on the coding strand, the complement: TSPEAR is on the minus strand). VCF-style: chr21-44521980-A-T. GRCh37 (hg19) VCF-style: chr21-45941863-A-T.
Other names: c.1265T>A, p.Leu422Gln (NM_001272037.2); short protein forms L490Q, L422Q.
Identifiers: ClinVar variation 594076 (VCV000594076.12), dbSNP rs781994662, ClinGen allele CA10056565.

ClinVar aggregate classification (germline): Conflicting classifications of pathogenicity. Review status: criteria provided, conflicting classifications (1 of 4 stars). 4 submissions from 4 submitters: Pathogenic (2); Uncertain significance (2). Last evaluated 2025-08-04.

Conditions:
Autosomal recessive nonsyndromic hearing loss 98. Also called: Deafness, autosomal recessive 98. Identifiers: Orphanet 90636, MedGen C3553932, MONDO:0013929, OMIM 614861.
Ectodermal dysplasia 14, hair/tooth type with or without hypohidrosis. Identifiers: Orphanet 685067, MedGen C4748560, MONDO:0032584, OMIM 618180.
TSPEAR-related disorder. Also called: TSPEAR-related condition.

Allele frequency attached by ClinVar (database versions not stated): ExAC 0.00003; gnomAD exomes 0.00006 and 0.00012; TOPMed 0.00009; gnomAD 0.00010.
gnomAD v4.1: 197 of 1,614,072 alleles (0.012%); highest among the groups gnomAD compares: Non-Finnish European, 0.015%; 1 homozygote.

Submissions (5):

Labcorp Genetics (formerly Invitae), Labcorp
Classification: Pathogenic. Last evaluated: 2025-08-04. Review status: criteria provided, single submitter. Criteria: Invitae Variant Classification Sherloc (09022015). Collection method: clinical testing. Allele origin: germline.
Comment: This sequence change replaces leucine, which is neutral and non-polar, with glutamine, which is neutral and polar, at codon 490 of the TSPEAR protein (p.Leu490Gln). This variant is present in population databases (rs781994662, gnomAD 0.01%). This missense change has been observed in individual(s) with clinical features of TSPEAR-related conditions (PMID: 34042254; internal data). In at least one individual the data is consistent with being in trans (on the opposite chromosome) from a pathogenic variant. It has also been observed to segregate with disease in related individuals. ClinVar contains an entry for this variant (Variation ID: 594076). Invitae Evidence Modeling of protein sequence and biophysical properties (such as structural, functional, and spatial information, amino acid conservation, physicochemical variation, residue mobility, and thermodynamic stability) indicates that this missense variant is expected to disrupt TSPEAR protein function with a positive predictive value of 80%. For these reasons, this variant has been classified as Pathogenic.

Blueprint Genetics
Classification: Pathogenic for TSPEAR-related disorders. Last evaluated: 2024-11-15. Review status: criteria provided, single submitter. Criteria: ACMG Guidelines, 2015. Collection method: clinical testing. Allele origin: germline. Affected: yes. Observed: 2 variant alleles.

Fulgent Genetics
Classification: Uncertain significance for Autosomal recessive nonsyndromic hearing loss 98; Ectodermal dysplasia 14, hair/tooth type with or without hypohidrosis. Last evaluated: 2022-03-08. Review status: criteria provided, single submitter. Criteria: ACMG Guidelines, 2015. Collection method: clinical testing. Allele origin: unknown.

Eurofins Ntd Llc (ga)
Classification: Uncertain significance. Last evaluated: 2017-09-15. Review status: criteria provided, single submitter. Criteria: EGL Classification Definitions 2015. Collection method: clinical testing. Allele origin: germline. Observed: 2 variant alleles, 2 heterozygotes.

Dr. Peter K. Rogan Lab, Western University
No classification provided (evidence only). Condition: Thyroid cancer, nonmedullary, 1. Review status: no classification provided. Collection method: in vitro. Allele origin: not applicable. Functional consequence: retained intron. Not counted in ClinVar's aggregate classification.

Literature cited by the submitters: PubMed 34042254 (cited by Labcorp Genetics (formerly Invitae), Labcorp).